The following is an entry in ClinVar:

ClinVar aggregate classification (germline): Uncertain significance. Review status: criteria provided, multiple submitters, no conflicts (2 of 4 stars). 3 submissions from 3 submitters: Uncertain significance (3). Last evaluated 2024-05-23.

Conditions:
Inborn genetic diseases. Identifiers: MedGen C0950123, MeSH D030342.
Abetalipoproteinaemia (ABL). Also called: MTP DEFICIENCY; Abetalipoproteinemia; Abetalipoproteinemia neuropathy; Apolipoprotein B deficiency; Congenital betalipoprotein deficiency syndrome. Identifiers: Orphanet 14, MedGen C0000744, MONDO:0008692, OMIM 200100, HP:0008181.

Allele frequency attached by ClinVar (database versions not stated): gnomAD 0.00002 and 0.00003; ExAC 0.00008; TOPMed 0.00010.
gnomAD v4.1: 32 of 1,613,906 alleles (0.002%); highest among the groups gnomAD compares: East Asian, 0.069%; no homozygotes.

Submissions (3):

Ambry Genetics
Classification: Uncertain significance for Inborn genetic diseases. Last evaluated: 2024-05-23. Review status: criteria provided, single submitter. Criteria: Ambry Variant Classification Scheme 2023. Collection method: clinical testing. Allele origin: germline.

GeneDx
Classification: Uncertain significance. Last evaluated: 2024-03-15. Review status: criteria provided, single submitter. Criteria: GeneDx Variant Classification Process June 2021. Collection method: clinical testing. Allele origin: germline. Affected: yes.
Comment: In silico analysis supports that this missense variant has a deleterious effect on protein structure/function; Has not been previously published as pathogenic or benign to our knowledge

Illumina Laboratory Services, Illumina
Classification: Uncertain significance for Abetalipoproteinaemia. Last evaluated: 2018-01-13. Review status: criteria provided, single submitter. Criteria: ICSL Variant Classification Criteria 13 December 2019. Collection method: clinical testing. Allele origin: germline.

NM_001386140.1(MTTP):c.901T>C (p.Cys301Arg)

Gene: MTTP (microsomal triglyceride transfer protein; plus strand). Cytogenetic location: 4q23.
Variant type: single nucleotide variant.
Coding change: c.901T>C on transcript NM_001386140.1 (MANE Select); coding-DNA position 901, T replaced by C.
Protein change: p.Cys301Arg; replaces cysteine 301 with arginine.
Molecular consequence: missense variant.
Genome position (GRCh38, 1-based): chr4:99,594,875, T>C. VCF-style: chr4-99594875-T-C. GRCh37 (hg19) VCF-style: chr4-100516032-T-C.
Other names: c.901T>C, p.Cys301Arg (NM_000253.4); c.652T>C, p.Cys218Arg (NM_001300785.2); short protein forms C301R, C218R.
Identifiers: ClinVar variation 347030 (VCV000347030.8), dbSNP rs759706918, ClinGen allele CA3021967.